The following is an entry in ClinVar:

ClinVar aggregate classification (germline): Uncertain significance (1 of 4 stars; one submission).

Conditions:
Hyperphosphatasia with impaired intellectual development syndrome 2. Also called: GLYCOSYLPHOSPHATIDYLINOSITOL BIOSYNTHESIS DEFECT 6; Hyperphosphatasia with intellectual disability syndrome 2. Identifiers: Orphanet 247262, MedGen C3553637, MONDO:0013882, OMIM 614749.

gnomAD v4.1: 3 of 1,614,082 alleles (0.00019%); highest among the groups gnomAD compares: Non-Finnish European, 0.00025%; no homozygotes.

Submission:

Labcorp Genetics (formerly Invitae), Labcorp
Classification: Uncertain significance for Hyperphosphatasia with impaired intellectual development syndrome 2. Last evaluated: 2024-12-03. Review status: criteria provided, single submitter. Criteria: Invitae Variant Classification Sherloc (09022015). Collection method: clinical testing. Allele origin: germline.
Comment: This sequence change replaces valine, which is neutral and non-polar, with leucine, which is neutral and non-polar, at codon 1060 of the PIGO protein (p.Val1060Leu). This variant is not present in population databases (gnomAD no frequency). This variant has not been reported in the literature in individuals affected with PIGO-related conditions. ClinVar contains an entry for this variant (Variation ID: 1948168). Invitae Evidence Modeling of protein sequence and biophysical properties (such as structural, functional, and spatial information, amino acid conservation, physicochemical variation, residue mobility, and thermodynamic stability) indicates that this missense variant is not expected to disrupt PIGO protein function with a negative predictive value of 95%. In summary, the available evidence is currently insufficient to determine the role of this variant in disease. Therefore, it has been classified as a Variant of Uncertain Significance.

NM_032634.4(PIGO):c.3178G>C (p.Val1060Leu)

Gene: PIGO (phosphatidylinositol glycan anchor biosynthesis class O; minus strand). Cytogenetic location: 9p13.3.
Variant type: single nucleotide variant.
Coding change: c.3178G>C on transcript NM_032634.4 (MANE Select); coding-DNA position 3178, G replaced by C.
Protein change: p.Val1060Leu; replaces valine 1060 with leucine.
Molecular consequence: missense variant.
Genome position (GRCh38, 1-based): chr9:35,089,184, C>G on the plus strand (G>C on the coding strand, the complement: PIGO is on the minus strand). VCF-style: chr9-35089184-C-G. GRCh37 (hg19) VCF-style: chr9-35089181-C-G.
Other names: c.1927G>C, p.Val643Leu (NM_001201484.2, NM_152850.4); short protein forms V1060L, V643L.
Identifiers: ClinVar variation 1948168 (VCV001948168.5), dbSNP rs551920425, ClinGen allele CA373317061.
Genomic context (GRCh38, chr9:35,089,184, plus strand): 5'-ACCAGGAGCTCACAGCACCATCCACTCTCATCACCAAAGCTATGCCCAGGAGAAGTCCCA[C>G]GCTGCTCACAATGAAGCCCACAGCCTCAAATATGAACCTGCAAAGAAAGGCGGAGAATCT-3'
Protein context (NP_116023.2, residues 1050-1070): FEAVGFIVSS[Val1060Leu]GLLLGIALVM